The following is an entry in ClinVar:

ClinVar aggregate classification (germline): Likely benign. Review status: criteria provided, single submitter (1 of 4 stars). 2 submissions from 2 submitters: Likely benign (1). 1 of the submissions does not count toward it. Last evaluated 2025-11-11.

Conditions:
Charcot-Marie-Tooth disease axonal type 2Z. Also called: CHARCOT-MARIE-TOOTH DISEASE, AXONAL, AUTOSOMAL DOMINANT, TYPE 2Z; CHARCOT-MARIE-TOOTH NEUROPATHY, TYPE 2Z. Identifiers: Orphanet 466768, MedGen C5569025, MONDO:0014736, OMIM 616688.
MORC2-related disorder. Also called: MORC2-related condition.

Allele frequency attached by ClinVar (database versions not stated): gnomAD exomes 0.00002; ExAC 0.00003; gnomAD 0.00015 and 0.00017; TOPMed 0.00019; ESP Exome Variant Server 0.00023.
gnomAD v4.1: 45 of 1,612,654 alleles (0.0028%); highest among the groups gnomAD compares: African/African-American, 0.059%; 1 homozygote.

Submissions (2):

Labcorp Genetics (formerly Invitae), Labcorp
Classification: Likely benign for Charcot-Marie-Tooth disease axonal type 2Z. Last evaluated: 2025-11-11. Review status: criteria provided, single submitter. Criteria: Invitae Variant Classification Sherloc (09022015). Collection method: clinical testing. Allele origin: germline.

PreventionGenetics, part of Exact Sciences
Classification: Likely benign for MORC2-related condition. Last evaluated: 2019-08-05. Review status: no assertion criteria provided. Collection method: clinical testing. Allele origin: germline. Not counted in ClinVar's aggregate classification.
Comment: This variant is classified as likely benign based on ACMG/AMP sequence variant interpretation guidelines (Richards et al. 2015 PMID: 25741868, with internal and published modifications).

NM_001303256.3(MORC2):c.905-10T>G

Gene: MORC2 (MORC family CW-type zinc finger 2; minus strand). Cytogenetic location: 22q12.2.
Variant type: single nucleotide variant.
Coding change: c.905-10T>G on transcript NM_001303256.3 (MANE Select); 10 bases into the intron before coding-DNA position 905, T replaced by G.
Molecular consequence: intron variant.
Genome position (GRCh38, 1-based): chr22:30,940,051, A>C on the plus strand (T>G on the coding strand, the complement: MORC2 is on the minus strand). VCF-style: chr22-30940051-A-C. GRCh37 (hg19) VCF-style: chr22-31336038-A-C.
Other names: c.905-10T>G (NM_001303256.2, NM_001303257.2); c.719-10T>G (NM_014941.3).
Identifiers: ClinVar variation 1044819 (VCV001044819.11), dbSNP rs372985596, ClinGen allele CA10187110.